The following is an entry in ClinVar:

ClinVar aggregate classification (germline): Uncertain significance (1 of 4 stars; one submission).

Conditions:
Inborn genetic diseases. Identifiers: MedGen C0950123, MeSH D030342.

gnomAD v4.1: 1 of 1,614,044 alleles (0.000062%); highest among the groups gnomAD compares: Non-Finnish European, 0.000085%; no homozygotes.

Submission:

Ambry Genetics
Classification: Uncertain significance for Inborn genetic diseases. Last evaluated: 2026-06-24. Review status: criteria provided, single submitter. Criteria: Ambry Variant Classification Scheme 2023. Collection method: clinical testing. Allele origin: germline.
Comment: The c.1208G>A (p.S403N) alteration is located in exon 1 (coding exon 1) of the ZMYND11 gene. This alteration results from a G to A substitution at nucleotide position 1208, causing the serine (S) at amino acid position 403 to be replaced by an asparagine (N). Based on data from gnomAD, the A allele has an overall frequency of 0.003% (1/31402) total alleles studied. The highest observed frequency was 0.007% (1/15428) of European (non-Finnish) alleles. Based on insufficient or conflicting evidence, the clinical significance of this alteration remains unclear.

NM_001370100.5(ZMYND11):c.1208G>A (p.Ser403Asn)

Gene: ZMYND11 (zinc finger MYND-type containing 11; plus strand). Cytogenetic location: 10p15.3.
Variant type: single nucleotide variant.
Coding change: c.1208G>A on transcript NM_001370100.5 (MANE Select); coding-DNA position 1208, G replaced by A.
Protein change: p.Ser403Asn; replaces serine 403 with asparagine.
Molecular consequence: missense variant. On other transcripts: non-coding transcript variant (1), intron variant (2).
Genome position (GRCh38, 1-based): chr10:247,447, G>A. VCF-style: chr10-247447-G-A. GRCh37 (hg19) VCF-style: chr10-293387-G-A.
Other names: c.1046G>A, p.Ser349Asn (NM_001202464.3, NM_001202467.1, NM_001370103.2 and 6 more transcripts); c.953G>A, p.Ser318Asn (NM_001202465.3, NM_001370110.2); c.1043G>A, p.Ser348Asn (NM_001202466.3, NM_001370111.2); c.1208G>A, p.Ser403Asn (NM_001202468.1, NM_001370097.3, NM_001370098.2 and 4 more transcripts); c.1157G>A, p.Ser386Asn (NM_001330057.3, NM_001370112.2); c.851G>A, p.Ser284Asn (NM_001370123.2); c.737G>A, p.Ser246Asn (NM_001370124.3); c.1205G>A, p.Ser402Asn (NM_212479.4, NM_001370115.2); and 8 more; short protein forms S318N, S349N, S363N, S372N, S309N, S327N, S246N, S301N.
Identifiers: ClinVar variation 5032154 (VCV005032154.1).
Genomic context (GRCh38, chr10:247,447, plus strand): 5'-AATGCCCACAGCTAAAGGTCACTCAAGAACCAAGAGCAAAGAAAGGACGACGTAATCAAA[G>A]TGTGGAGCCCAAAAAGGAAGTAAGTTGCCCACCTCGCAGTATCCAGGTGGCAAATGAAAC-3'
Protein context (NP_001357029.1, residues 393-413): PRAKKGRRNQ[Ser403Asn]VEPKKEEPEP